The following is an entry in ClinVar:

NM_003640.5(ELP1):c.2268T>A (p.Tyr756Ter)

Gene: ELP1 (elongator acetyltransferase complex subunit 1; minus strand). Cytogenetic location: 9q31.3.
Variant type: single nucleotide variant.
Coding change: c.2268T>A on transcript NM_003640.5 (MANE Select); coding-DNA position 2268, T replaced by A.
Protein change: p.Tyr756Ter; replaces tyrosine 756 with a stop codon.
Molecular consequence: nonsense.
Genome position (GRCh38, 1-based): chr9:108,898,686, A>T on the plus strand (T>A on the coding strand, the complement: ELP1 is on the minus strand). VCF-style: chr9-108898686-A-T. GRCh37 (hg19) VCF-style: chr9-111660966-A-T.
Other names: c.1926T>A, p.Tyr642Ter (NM_001318360.2); c.1221T>A, p.Tyr407Ter (NM_001330749.2); short protein forms Y407*, Y642*, Y756*.
Identifiers: ClinVar variation 839152 (VCV000839152.7), dbSNP rs1828651198, ClinGen allele CA374422068.
Genomic context (GRCh38, chr9:108,898,686, plus strand): 5'-TTAAGTACAAAGTAAGCTAGAGTAAATGACAGCTTAGAAAGTTACCTTAGGGTTATGATC[A>T]TAAATCAGATTGAGATTGATTCTCAGCTTTCTCATGCATTCAAATGCCTCTTTAAACATA-3'

ClinVar aggregate classification (germline): Pathogenic (1 of 4 stars; one submission).

Submission:

Labcorp Genetics (formerly Invitae), Labcorp
Classification: Pathogenic. Last evaluated: 2019-01-04. Review status: criteria provided, single submitter. Criteria: Invitae Variant Classification Sherloc (09022015). Collection method: clinical testing. Allele origin: germline.
Comment: For these reasons, this variant has been classified as Pathogenic. Loss-of-function variants in ELP1 are known to be pathogenic (PMID: 18303054, 24173031). This variant has not been reported in the literature in individuals with ELP1-related conditions. This variant is not present in population databases (ExAC no frequency). This sequence change creates a premature translational stop signal (p.Tyr756*) in the ELP1 gene. It is expected to result in an absent or disrupted protein product.

Literature cited by the submitters: PubMed 18303054; PubMed 24173031.